The following is an entry in ClinVar:

ClinVar aggregate classification (germline): Uncertain significance (1 of 4 stars; one submission).

Allele frequency attached by ClinVar (database versions not stated): gnomAD 0.00001; ExAC 0.00002; TOPMed 0.00003; ESP Exome Variant Server 0.00008.
gnomAD v4.1: 18 of 1,595,798 alleles (0.0011%); highest among the groups gnomAD compares: East Asian, 0.0023%; no homozygotes.

Submission:

Labcorp Genetics (formerly Invitae), Labcorp
Classification: Uncertain significance. Last evaluated: 2023-01-22. Review status: criteria provided, single submitter. Criteria: Invitae Variant Classification Sherloc (09022015). Collection method: clinical testing. Allele origin: germline.
Comment: This variant is present in population databases (rs373425925, gnomAD 0.007%). In summary, the available evidence is currently insufficient to determine the role of this variant in disease. Therefore, it has been classified as a Variant of Uncertain Significance. Advanced modeling of protein sequence and biophysical properties (such as structural, functional, and spatial information, amino acid conservation, physicochemical variation, residue mobility, and thermodynamic stability) performed at Invitae indicates that this missense variant is not expected to disrupt AK7 protein function. This variant has not been reported in the literature in individuals affected with AK7-related conditions. This sequence change replaces alanine, which is neutral and non-polar, with valine, which is neutral and non-polar, at codon 331 of the AK7 protein (p.Ala331Val).

NM_152327.5(AK7):c.992C>T (p.Ala331Val)

Gene: AK7 (adenylate kinase 7; plus strand). Cytogenetic location: 14q32.2.
Variant type: single nucleotide variant.
Coding change: c.992C>T on transcript NM_152327.5 (MANE Select); coding-DNA position 992, C replaced by T.
Protein change: p.Ala331Val; replaces alanine 331 with valine.
Molecular consequence: missense variant.
Genome position (GRCh38, 1-based): chr14:96,451,464, C>T. VCF-style: chr14-96451464-C-T. GRCh37 (hg19) VCF-style: chr14-96917801-C-T.
Other names: c.992C>T, p.Ala331Val (NM_001350888.2, NM_001350890.2, NM_001350892.2); c.914C>T, p.Ala305Val (NM_001350891.2); short protein forms A331V, A305V.
Identifiers: ClinVar variation 2197335 (VCV002197335.4), dbSNP rs373425925, ClinGen allele CA7337719.